The following is an entry in ClinVar:

NM_005876.5(SPEG):c.5027+11A>T

Gene: SPEG (striated muscle enriched protein kinase; plus strand). Cytogenetic location: 2q35.
Variant type: single nucleotide variant.
Coding change: c.5027+11A>T on transcript NM_005876.5 (MANE Select); 11 bases into the intron after coding-DNA position 5027, A replaced by T.
Molecular consequence: intron variant.
Genome position (GRCh38, 1-based): chr2:219,478,116, A>T. VCF-style: chr2-219478116-A-T. GRCh37 (hg19) VCF-style: chr2-220342838-A-T.
Identifiers: ClinVar variation 1460676 (VCV001460676.8), dbSNP rs2125521082, ClinGen allele CA2573135272.

ClinVar aggregate classification (germline): Uncertain significance (1 of 4 stars; one submission).

Allele frequency attached by ClinVar (database versions not stated): gnomAD exomes below 0.00001.
gnomAD v4.1: 6 of 1,611,678 alleles (0.00037%); highest among the groups gnomAD compares: Non-Finnish European, 0.00051%; no homozygotes.

Submission:

Labcorp Genetics (formerly Invitae), Labcorp
Classification: Uncertain significance. Last evaluated: 2025-08-18. Review status: criteria provided, single submitter. Criteria: Invitae Variant Classification Sherloc (09022015). Collection method: clinical testing. Allele origin: germline.
Comment: This sequence change falls in intron 22 of the SPEG gene. It does not directly change the encoded amino acid sequence of the SPEG protein. This variant is not present in population databases (gnomAD no frequency). This variant has not been reported in the literature in individuals affected with SPEG-related conditions. ClinVar contains an entry for this variant (Variation ID: 1460676). Algorithms developed to predict the effect of sequence changes on RNA splicing suggest that this variant may create or strengthen a splice site. In summary, the available evidence is currently insufficient to determine the role of this variant in disease. Therefore, it has been classified as a Variant of Uncertain Significance.